The following is an entry in ClinVar:

NM_022455.5(NSD1):c.5509+2T>G

Genes: NSD1 (nuclear receptor binding SET domain protein 1; plus strand), LOC126807619 (MED14-independent group 3 enhancer GRCh37_chr5:176696443-176697642; plus strand). Cytogenetic location: 5q35.3.
Variant type: single nucleotide variant.
Coding change: c.5509+2T>G on transcript NM_022455.5 (MANE Select); the canonical splice donor site of the intron after coding-DNA position 5509, T replaced by G.
Molecular consequence: splice donor variant.
Genome position (GRCh38, 1-based): chr5:177,269,809, T>G. VCF-style: chr5-177269809-T-G. GRCh37 (hg19) VCF-style: chr5-176696810-T-G.
Other names: c.5509+2T>G (NM_001409301.1, NM_001409302.1, NM_001409303.1); c.5089+2T>G (NM_001409304.1); c.4756+2T>G (NM_001409305.1); c.4747+2T>G (NM_001409306.1, NM_001409307.1); c.4636+2T>G (NM_001409308.1, NM_172349.5, NM_001409309.1 and 1 more transcripts).
Identifiers: ClinVar variation 856456 (VCV000856456.10), dbSNP rs1581497997, ClinGen allele CA362307203.

ClinVar aggregate classification (germline): Pathogenic (1 of 4 stars; one submission).

Submission:

Labcorp Genetics (formerly Invitae), Labcorp
Classification: Pathogenic. Last evaluated: 2019-06-20. Review status: criteria provided, single submitter. Criteria: Invitae Variant Classification Sherloc (09022015). Collection method: clinical testing. Allele origin: germline.
Comment: For these reasons, this variant has been classified as Pathogenic. Donor and acceptor splice site variants typically lead to a loss of protein function (PMID: 16199547), and loss-of-function variants in NSD1 are known to be pathogenic (PMID: 12464997, 14571271, 15942875, 16247291). Algorithms developed to predict the effect of sequence changes on RNA splicing suggest that this variant may disrupt the consensus splice site, but this prediction has not been confirmed by published transcriptional studies. This variant is not present in population databases (ExAC no frequency). This sequence change affects a donor splice site in intron 16 of the NSD1 gene. It is expected to disrupt RNA splicing and likely results in an absent or disrupted protein product.

Literature cited by the submitters: PubMed 16199547; PubMed 12464997; PubMed 14571271; PubMed 15942875; PubMed 16247291.